The following is an entry in ClinVar:

NM_001330311.2(DVL1):c.1278C>G (p.Asp426Glu)

Gene: DVL1 (dishevelled segment polarity protein 1; minus strand). Cytogenetic location: 1p36.33.
Variant type: single nucleotide variant.
Coding change: c.1278C>G on transcript NM_001330311.2 (MANE Select); coding-DNA position 1278, C replaced by G.
Protein change: p.Asp426Glu; replaces aspartic acid 426 with glutamic acid.
Molecular consequence: missense variant.
Genome position (GRCh38, 1-based): chr1:1,338,583, G>C on the plus strand (C>G on the coding strand, the complement: DVL1 is on the minus strand). VCF-style: chr1-1338583-G-C. GRCh37 (hg19) VCF-style: chr1-1273963-G-C.
Other names: c.1203C>G (NM_004421.2); c.1203C>G, p.Asp401Glu (NM_004421.3); short protein forms D401E, D426E.
Identifiers: ClinVar variation 1051290 (VCV001051290.10), dbSNP rs141420415, ClinGen allele CA16753935.

ClinVar aggregate classification (germline): Uncertain significance. Review status: criteria provided, multiple submitters, no conflicts (2 of 4 stars). 2 submissions from 2 submitters: Uncertain significance (2). Last evaluated 2024-11-26.

Conditions:
Inborn genetic diseases. Identifiers: MedGen C0950123, MeSH D030342.

Allele frequency attached by ClinVar (database versions not stated): ESP Exome Variant Server 0.00008.

Submissions (2):

Ambry Genetics
Classification: Uncertain significance for Inborn genetic diseases. Last evaluated: 2024-11-26. Review status: criteria provided, single submitter. Criteria: Ambry Variant Classification Scheme 2023. Collection method: clinical testing. Allele origin: germline.

Labcorp Genetics (formerly Invitae), Labcorp
Classification: Uncertain significance. Last evaluated: 2024-07-17. Review status: criteria provided, single submitter. Criteria: Invitae Variant Classification Sherloc (09022015). Collection method: clinical testing. Allele origin: germline.
Comment: This sequence change replaces aspartic acid, which is acidic and polar, with glutamic acid, which is acidic and polar, at codon 401 of the DVL1 protein (p.Asp401Glu). This variant is present in population databases (rs141420415, gnomAD 0.007%). This variant has not been reported in the literature in individuals affected with DVL1-related conditions. ClinVar contains an entry for this variant (Variation ID: 1051290). Advanced modeling of protein sequence and biophysical properties (such as structural, functional, and spatial information, amino acid conservation, physicochemical variation, residue mobility, and thermodynamic stability) performed at Invitae indicates that this missense variant is not expected to disrupt DVL1 protein function with a negative predictive value of 80%. In summary, the available evidence is currently insufficient to determine the role of this variant in disease. Therefore, it has been classified as a Variant of Uncertain Significance.